The following is an entry in ClinVar:

ClinVar aggregate classification (germline): Pathogenic (1 of 4 stars; one submission).

Conditions:
Familial thoracic aortic aneurysm and aortic dissection (TAAD). Also called: Thoracic aortic aneurysms and dissections. Identifiers: Orphanet 91387, MedGen C4707243, MONDO:0019625.

Submission:

Ambry Genetics
Classification: Pathogenic for Familial thoracic aortic aneurysm and aortic dissection. Last evaluated: 2026-07-29. Review status: criteria provided, single submitter. Criteria: Ambry Variant Classification Scheme 2023. Collection method: clinical testing. Allele origin: germline.
Comment: The c.7973_7974delCCinsT pathogenic mutation, located in coding exon 63 of the FBN1 gene, results from the deletion of two nucleotides and insertion of one nucleotide causing a translational frameshift with a predicted alternate stop codon (p.P2658Lfs*24). This variant was reported in individual(s) with features consistent with thoracic aortic aneurysm (Ambry internal data). This variant is considered to be rare based on population cohorts in the Genome Aggregation Database (gnomAD). This alteration is expected to result in loss of function by premature protein truncation or nonsense-mediated mRNA decay. As such, this alteration is interpreted as a disease-causing mutation.

NM_000138.5(FBN1):c.7973_7974delinsT (p.Pro2658fs)

Gene: FBN1 (fibrillin 1; minus strand). Cytogenetic location: 15q21.1.
Variant type: Indel.
Coding change: c.7973_7974delinsT on transcript NM_000138.5 (MANE Select); coding-DNA positions 7973 to 7974, CC replaced by T.
Protein change: p.Pro2658fs; shifts the reading frame from proline 2658.
Molecular consequence: frameshift variant.
Genome position (GRCh38, 1-based): chr15:48,415,613-48,415,614, GG replaced by A on the plus strand (CC replaced by T on the coding strand, the reverse complement: FBN1 is on the minus strand). VCF-style: chr15-48415613-GG-A. GRCh37 (hg19) VCF-style: chr15-48707810-GG-A.
Other names: c.7973_7974delinsT, p.Pro2658fs (NM_001406716.1); short protein forms P2658fs.
Identifiers: ClinVar variation 5021588 (VCV005021588.1).